The following is an entry in ClinVar:

NM_017534.6(MYH2):c.4582C>T (p.Arg1528Cys)

Genes: MYH2 (myosin heavy chain 2; minus strand), MYHAS (myosin heavy chain gene cluster antisense RNA; plus strand), LOC126862500 (BRD4-independent group 4 enhancer GRCh37_chr17:10427829-10429028; plus strand). Cytogenetic location: 17p13.1.
Variant type: single nucleotide variant.
Coding change: c.4582C>T on transcript NM_017534.6 (MANE Select); coding-DNA position 4582, C replaced by T.
Protein change: p.Arg1528Cys; replaces arginine 1528 with cysteine.
Molecular consequence: missense variant.
Genome position (GRCh38, 1-based): chr17:10,525,304, G>A on the plus strand (C>T on the coding strand, the complement: MYH2 is on the minus strand). VCF-style: chr17-10525304-G-A. GRCh37 (hg19) VCF-style: chr17-10428621-G-A.
Other names: c.4582C>T, p.Arg1528Cys (NM_001100112.2); short protein forms R1528C.
Identifiers: ClinVar variation 1376588 (VCV001376588.10), dbSNP rs377584935, ClinGen allele CA8390587.

ClinVar aggregate classification (germline): Uncertain significance. Review status: criteria provided, multiple submitters, no conflicts (2 of 4 stars). 3 submissions from 3 submitters: Uncertain significance (3). Last evaluated 2024-11-14.

Conditions:
Myopathy, proximal, and ophthalmoplegia (CMYO6). Also called: MYOPATHY WITH CONGENITAL JOINT CONTRACTURES, OPHTHALMOPLEGIA, AND RIMMED VACUOLES; CONGENITAL MYOPATHY 6 WITH OPHTHALMOPLEGIA; INCLUSION BODY MYOPATHY 3, AUTOSOMAL DOMINANT. Identifiers: Orphanet 363677, Orphanet 79091, MedGen C1854106, MONDO:0011577, OMIM 605637.

Allele frequency attached by ClinVar (database versions not stated): gnomAD exomes 0.00004 and 0.00006; ESP Exome Variant Server 0.00008; ExAC 0.00009; gnomAD 0.00015 and 0.00017; TOPMed 0.00018; 1000 Genomes Project 0.00040; 1000 Genomes Project 30x 0.00047.
gnomAD v4.1: 86 of 1,613,970 alleles (0.0053%); highest among the groups gnomAD compares: African/African-American, 0.047%; no homozygotes.

Submissions (3):

Labcorp Genetics (formerly Invitae), Labcorp
Classification: Uncertain significance for Myopathy, proximal, and ophthalmoplegia. Last evaluated: 2024-11-14. Review status: criteria provided, single submitter. Criteria: Invitae Variant Classification Sherloc (09022015). Collection method: clinical testing. Allele origin: germline.
Comment: This sequence change replaces arginine, which is basic and polar, with cysteine, which is neutral and slightly polar, at codon 1528 of the MYH2 protein (p.Arg1528Cys). This variant is present in population databases (rs377584935, gnomAD 0.05%). This variant has not been reported in the literature in individuals affected with MYH2-related conditions. ClinVar contains an entry for this variant (Variation ID: 1376588). Invitae Evidence Modeling of protein sequence and biophysical properties (such as structural, functional, and spatial information, amino acid conservation, physicochemical variation, residue mobility, and thermodynamic stability) indicates that this missense variant is expected to disrupt MYH2 protein function with a positive predictive value of 80%. In summary, the available evidence is currently insufficient to determine the role of this variant in disease. Therefore, it has been classified as a Variant of Uncertain Significance.

Kariminejad - Najmabadi Pathology & Genetics Center
Classification: Uncertain significance for Myopathy, proximal, and ophthalmoplegia. Last evaluated: 2020-03-07. Review status: criteria provided, single submitter. Criteria: ACMG Guidelines, 2015. Collection method: clinical testing. Allele origin: germline. Inheritance: Autosomal recessive inheritance. Affected: yes.
Comment: PM2, PP2

Breakthrough Genomics
Classification: Uncertain significance. Review status: criteria provided, single submitter. Criteria: ACMG Guidelines, 2015. Collection method: not provided. Allele origin: germline. Inheritance: Autosomal recessive inheritance. Affected: yes.